The following is an entry in ClinVar:

NM_017617.5(NOTCH1):c.3874C>T (p.His1292Tyr)

Gene: NOTCH1 (notch receptor 1; minus strand). Cytogenetic location: 9q34.3.
Variant type: single nucleotide variant.
Coding change: c.3874C>T on transcript NM_017617.5 (MANE Select); coding-DNA position 3874, C replaced by T.
Protein change: p.His1292Tyr; replaces histidine 1292 with tyrosine.
Molecular consequence: missense variant.
Genome position (GRCh38, 1-based): chr9:136,506,743, G>A on the plus strand (C>T on the coding strand, the complement: NOTCH1 is on the minus strand). VCF-style: chr9-136506743-G-A. GRCh37 (hg19) VCF-style: chr9-139401195-G-A.
Other names: c.3874C>T, p.His1292Tyr (LRG_1122t1); short protein forms H1292Y.
Identifiers: ClinVar variation 409046 (VCV000409046.12), dbSNP rs372348365, ClinGen allele CA5340781.

ClinVar aggregate classification (germline): Conflicting classifications of pathogenicity. Review status: criteria provided, conflicting classifications (1 of 4 stars). 3 submissions from 3 submitters: Uncertain significance (2); Likely benign (1). Last evaluated 2025-12-19.

Conditions:
Familial thoracic aortic aneurysm and aortic dissection (TAAD). Also called: Thoracic aortic aneurysms and dissections. Identifiers: Orphanet 91387, MedGen C4707243, MONDO:0019625.
Adams-Oliver syndrome 5 (AOS5). Identifiers: Orphanet 974, MedGen C4014970, MONDO:0014459, OMIM 616028.

Allele frequency attached by ClinVar (database versions not stated): gnomAD exomes below 0.00001; TOPMed 0.00001; ExAC 0.00001; ESP Exome Variant Server 0.00016; gnomAD 0.00001.
gnomAD v4.1: 6 of 1,602,596 alleles (0.00037%); highest among the groups gnomAD compares: African/African-American, 0.0027%; no homozygotes.

Submissions (3):

Labcorp Genetics (formerly Invitae), Labcorp
Classification: Likely benign for Adams-Oliver syndrome 5. Last evaluated: 2025-12-19. Review status: criteria provided, single submitter. Criteria: Invitae Variant Classification Sherloc (09022015). Collection method: clinical testing. Allele origin: germline.

Ambry Genetics
Classification: Uncertain significance for Familial thoracic aortic aneurysm and aortic dissection. Last evaluated: 2024-12-14. Review status: criteria provided, single submitter. Criteria: Ambry Variant Classification Scheme 2023. Collection method: clinical testing. Allele origin: germline.
Comment: The p.H1292Y variant (also known as c.3874C>T), located in coding exon 23 of the NOTCH1 gene, results from a C to T substitution at nucleotide position 3874. The histidine at codon 1292 is replaced by tyrosine, an amino acid with similar properties. This amino acid position is conserved. In addition, this alteration is predicted to be tolerated by in silico analysis. Based on the available evidence, the clinical significance of this variant remains unclear.

Stanford Center for Inherited Cardiovascular Disease, Stanford University
Classification: Uncertain significance. Last evaluated: 2016-08-09. Review status: criteria provided, single submitter. Criteria: ACMG Guidelines, 2015. Collection method: provider interpretation. Allele origin: germline.